The following is an entry in ClinVar:

ClinVar aggregate classification (germline): Pathogenic. Review status: criteria provided, single submitter (1 of 4 stars). 5 submissions from 4 submitters: Pathogenic (1). 4 of the submissions do not count toward it. Last evaluated 2024-05-24.

Conditions:
PRPH2-related disorder. Also called: PRPH2-related condition; PRPH2-related disorders. Identifiers: MedGen CN239395.
Leber congenital amaurosis 18 (LCA18). Identifiers: MedGen C4013102, MONDO:1060145.
Patterned macular dystrophy 1. Also called: BUTTERFLY DYSTROPHY OF RETINAL PIGMENT EPITHELIUM; MACULAR DYSTROPHY, BUTTERFLY-SHAPED PIGMENTARY. Identifiers: Orphanet 99001, MedGen C4551999, MONDO:0008210, OMIM 169150.

Allele frequency attached by ClinVar (database versions not stated): gnomAD exomes below 0.00001.
gnomAD v4.1: 2 of 1,614,188 alleles (0.00012%); highest among the groups gnomAD compares: Non-Finnish European, 0.00017%; no homozygotes.

Submissions (5):

Labcorp Genetics (formerly Invitae), Labcorp
Classification: Pathogenic for PRPH2-related disorder. Last evaluated: 2024-05-24. Review status: criteria provided, single submitter. Criteria: Invitae Variant Classification Sherloc (09022015). Collection method: clinical testing. Allele origin: germline.
Comment: This sequence change replaces cysteine, which is neutral and slightly polar, with arginine, which is basic and polar, at codon 213 of the PRPH2 protein (p.Cys213Arg). This variant is present in population databases (rs61755802, gnomAD 0.0009%). This missense change has been observed in individual(s) with autosomal dominant pattern dystrophy and/or autosomal recessive Leber congenital amaurosis (PMID: 9443872, 23847139). It has also been observed to segregate with disease in related individuals. ClinVar contains an entry for this variant (Variation ID: 98691). Advanced modeling of protein sequence and biophysical properties (such as structural, functional, and spatial information, amino acid conservation, physicochemical variation, residue mobility, and thermodynamic stability) performed at Invitae indicates that this missense variant is expected to disrupt PRPH2 protein function with a positive predictive value of 95%. This variant disrupts the p.Cys213 amino acid residue in PRPH2. Other variant(s) that disrupt this residue have been determined to be pathogenic (PMID: 11934323, 21071739, 28559085). This suggests that this residue is clinically significant, and that variants that disrupt this residue are likely to be disease-causing. For these reasons, this variant has been classified as Pathogenic.

Leiden Open Variation Database
Classification: Likely pathogenic. Last evaluated: 2021-04-06. Review status: no assertion criteria provided. Collection method: curation. Allele origin: germline. Affected: yes. Not counted in ClinVar's aggregate classification.
Comment: Curator: Global Variome, with Curator vacancy. Submitter to LOVD: Manon Peeters.

OMIM
Classification: Pathogenic for MACULAR DYSTROPHY, PATTERNED, 1. Last evaluated: 2013-10-01. Review status: no assertion criteria provided. Collection method: literature only. Allele origin: germline. Not counted in ClinVar's aggregate classification.

OMIM
Classification: Pathogenic for LEBER CONGENITAL AMAUROSIS 18. Last evaluated: 2013-10-01. Review status: no assertion criteria provided. Collection method: literature only. Allele origin: germline. Not counted in ClinVar's aggregate classification.

Retina International
No classification provided. Review status: no classification provided. Collection method: not provided. Allele origin: not provided. Not counted in ClinVar's aggregate classification.

Literature cited by the submitters: PubMed 9443872 (cited by 3 submitters); PubMed 23847139 (cited by 3 submitters); PubMed 11934323 (cited by Labcorp Genetics (formerly Invitae), Labcorp); PubMed 21071739 (cited by Labcorp Genetics (formerly Invitae), Labcorp); PubMed 28559085 (cited by Labcorp Genetics (formerly Invitae), Labcorp).

NM_000322.5(PRPH2):c.637T>C (p.Cys213Arg)

Gene: PRPH2 (peripherin 2; minus strand). Cytogenetic location: 6p21.1.
Variant type: single nucleotide variant.
Coding change: c.637T>C on transcript NM_000322.5 (MANE Select); coding-DNA position 637, T replaced by C.
Protein change: p.Cys213Arg; replaces cysteine 213 with arginine.
Molecular consequence: missense variant.
Genome position (GRCh38, 1-based): chr6:42,704,556, A>G on the plus strand (T>C on the coding strand, the complement: PRPH2 is on the minus strand). VCF-style: chr6-42704556-A-G. GRCh37 (hg19) VCF-style: chr6-42672294-A-G.
Other names: short protein forms C213R.
Identifiers: ClinVar variation 98691 (VCV000098691.7), dbSNP rs61755802, ClinGen allele CA174960.